The following is an entry in ClinVar:

ClinVar aggregate classification (germline): Likely benign. Review status: criteria provided, multiple submitters, no conflicts (2 of 4 stars). 4 submissions from 4 submitters: Likely benign (4). Last evaluated 2025-08-01.

Conditions:
Wilson disease (WND). Also called: Wilson's disease. Identifiers: Orphanet 905, MedGen C0019202, MONDO:0010200, OMIM 277900. Disease mechanism: loss of function.

Allele frequency attached by ClinVar (database versions not stated): gnomAD exomes 0.00001 and 0.00003; gnomAD 0.00013 and 0.00014; TOPMed 0.00017.
gnomAD v4.1: 33 of 1,614,026 alleles (0.002%); highest among the groups gnomAD compares: Admixed American, 0.047%; no homozygotes.

Submissions (4):

CeGaT Center for Human Genetics Tuebingen
Classification: Likely benign. Last evaluated: 2025-08-01. Review status: criteria provided, single submitter. Criteria: CeGaT Center For Human Genetics Tuebingen Variant Classification Criteria Version 2. Collection method: clinical testing. Allele origin: germline. Affected: yes. Observed: 2 variant alleles.
Comment: ATP7B: BP4, BP7

Labcorp Genetics (formerly Invitae), Labcorp
Classification: Likely benign for Wilson disease. Last evaluated: 2025-05-01. Review status: criteria provided, single submitter. Criteria: Invitae Variant Classification Sherloc (09022015). Collection method: clinical testing. Allele origin: germline.

All of Us Research Program, National Institutes of Health
Classification: Likely benign for Wilson disease. Last evaluated: 2023-05-31. Review status: criteria provided, single submitter. Criteria: ACMG Guidelines, 2015. Collection method: clinical testing. Allele origin: germline. Inheritance: Autosomal recessive inheritance. Observed: 1 variant allele, 1 heterozygote.
Comment: This study involves interpretation of variants in research participants for the purpose of population health screening. Participant phenotype was not available at the time of variant classification. Additional details can be found in publication PMID: 35346344, PMCID: PMC8962531

Blueprint Genetics
Classification: Likely benign. Last evaluated: 2021-05-14. Review status: criteria provided, single submitter. Criteria: ACMG Guidelines, 2015. Collection method: clinical testing. Allele origin: germline.

NM_000053.4(ATP7B):c.3303A>C (p.Gly1101=)

Gene: ATP7B (ATPase copper transporting beta; minus strand). Cytogenetic location: 13q14.3.
Variant type: single nucleotide variant.
Coding change: c.3303A>C on transcript NM_000053.4 (MANE Select); coding-DNA position 3303, A replaced by C.
Protein change: p.Gly1101=; no amino-acid change (glycine 1101 retained).
Molecular consequence: synonymous variant.
Genome position (GRCh38, 1-based): chr13:51,942,495, T>G on the plus strand (A>C on the coding strand, the complement: ATP7B is on the minus strand). VCF-style: chr13-51942495-T-G. GRCh37 (hg19) VCF-style: chr13-52516631-T-G.
Other names: c.2682A>C, p.Gly894= (NM_001005918.3); c.2970A>C, p.Gly990= (NM_001243182.2); c.3069A>C, p.Gly1023= (NM_001330578.2); c.3051A>C, p.Gly1017= (NM_001330579.2).
Identifiers: ClinVar variation 1155607 (VCV001155607.25), dbSNP rs1475867908, ClinGen allele CA483894455.